The following is an entry in ClinVar:

NM_001105206.3(LAMA4):c.557A>T (p.Lys186Ile)

Gene: LAMA4 (laminin subunit alpha 4; minus strand). Cytogenetic location: 6q21.
Variant type: single nucleotide variant.
Coding change: c.557A>T on transcript NM_001105206.3 (MANE Select); coding-DNA position 557, A replaced by T.
Protein change: p.Lys186Ile; replaces lysine 186 with isoleucine.
Molecular consequence: missense variant.
Genome position (GRCh38, 1-based): chr6:112,191,797, T>A on the plus strand (A>T on the coding strand, the complement: LAMA4 is on the minus strand). VCF-style: chr6-112191797-T-A. GRCh37 (hg19) VCF-style: chr6-112512999-T-A.
Other names: c.557A>T, p.Lys186Ile (NM_002290.5, NM_001105207.3); short protein forms K186I.
Identifiers: ClinVar variation 4841379 (VCV004841379.1).
Genomic context (GRCh38, chr6:112,191,797, plus strand): 5'-GTGACTTCATCACAATCTTCAAAGATCAGGTTGGGATCTGAATTTCCACTGCAGTCACAT[T>A]TCTTACAGGTGCTTCCAATGAGTAAGGGGTTTCCATAGTAACCGGGAGCACATCTGAAGA-3'
Protein context (NP_001098676.2, residues 176-196): NPLLIGSTCK[Lys186Ile]CDCSGNSDPN

ClinVar aggregate classification (germline): Uncertain significance (1 of 4 stars; one submission).

Conditions:
Cardiovascular phenotype. Identifiers: MedGen CN230736.

gnomAD v4.1: 1 of 1,614,162 alleles (0.000062%); highest among the groups gnomAD compares: African/African-American, 0.0013%; no homozygotes.

Submission:

Ambry Genetics
Classification: Uncertain significance for Cardiovascular phenotype. Last evaluated: 2026-01-12. Review status: criteria provided, single submitter. Criteria: Ambry Variant Classification Scheme 2023. Collection method: clinical testing. Allele origin: germline.
Comment: The p.K186I variant (also known as c.557A>T), located in coding exon 5 of the LAMA4 gene, results from an A to T substitution at nucleotide position 557. The lysine at codon 186 is replaced by isoleucine, an amino acid with dissimilar properties. This amino acid position is conserved. In addition, the in silico prediction for this alteration is inconclusive. Based on the available evidence, the clinical significance of this variant remains unclear.